The following is an entry in ClinVar:

ClinVar aggregate classification (germline): Uncertain significance (1 of 4 stars; one submission).

Allele frequency attached by ClinVar (database versions not stated): gnomAD exomes below 0.00001; TOPMed below 0.00001; gnomAD 0.00001.
gnomAD v4.1: 2 of 1,614,108 alleles (0.00012%); highest among the groups gnomAD compares: Admixed American, 0.0017%; no homozygotes.

Submission:

Labcorp Genetics (formerly Invitae), Labcorp
Classification: Uncertain significance. Last evaluated: 2024-11-05. Review status: criteria provided, single submitter. Criteria: Invitae Variant Classification Sherloc (09022015). Collection method: clinical testing. Allele origin: germline.
Comment: This sequence change replaces serine, which is neutral and polar, with proline, which is neutral and non-polar, at codon 703 of the SLC7A14 protein (p.Ser703Pro). This variant is not present in population databases (gnomAD no frequency). This variant has not been reported in the literature in individuals affected with SLC7A14-related conditions. ClinVar contains an entry for this variant (Variation ID: 1500180). An algorithm developed to predict the effect of missense changes on protein structure and function (PolyPhen-2) suggests that this variant is likely to be tolerated. In summary, the available evidence is currently insufficient to determine the role of this variant in disease. Therefore, it has been classified as a Variant of Uncertain Significance.

NM_020949.3(SLC7A14):c.2107T>C (p.Ser703Pro)

Gene: SLC7A14 (solute carrier family 7 member 14; minus strand). Cytogenetic location: 3q26.2.
Variant type: single nucleotide variant.
Coding change: c.2107T>C on transcript NM_020949.3 (MANE Select); coding-DNA position 2107, T replaced by C.
Protein change: p.Ser703Pro; replaces serine 703 with proline.
Molecular consequence: missense variant.
Genome position (GRCh38, 1-based): chr3:170,467,264, A>G on the plus strand (T>C on the coding strand, the complement: SLC7A14 is on the minus strand). VCF-style: chr3-170467264-A-G. GRCh37 (hg19) VCF-style: chr3-170185052-A-G.
Other names: short protein forms S703P.
Identifiers: ClinVar variation 1500180 (VCV001500180.6), dbSNP rs1739743627, ClinGen allele CA355484140.